The following is an entry in ClinVar:

ClinVar aggregate classification (germline): Uncertain significance (1 of 4 stars; one submission).

Conditions:
Cardiovascular phenotype. Identifiers: MedGen CN230736.

Allele frequency attached by ClinVar (database versions not stated): gnomAD 0.00001.
gnomAD v4.1: 2 of 1,613,328 alleles (0.00012%); highest among the groups gnomAD compares: African/African-American, 0.0013%; no homozygotes.

Submission:

Ambry Genetics
Classification: Uncertain significance for Cardiovascular phenotype. Last evaluated: 2019-10-18. Review status: criteria provided, single submitter. Criteria: Ambry Variant Classification Scheme 2023. Collection method: clinical testing. Allele origin: germline.
Comment: The p.E14272Q variant (also known as c.42814G>C), located in coding exon 153 of the TTN gene, results from a G to C substitution at nucleotide position 42814. The glutamic acid at codon 14272 is replaced by glutamine, an amino acid with highly similar properties. This amino acid position is not well conserved in available vertebrate species. In addition, this alteration is predicted to be tolerated by in silico analysis. Since supporting evidence is limited at this time, the clinical significance of this alteration remains unclear.

NM_001267550.2(TTN):c.70009G>C (p.Glu23337Gln)

Genes: TTN (titin; minus strand), TTN-AS1 (TTN antisense RNA 1; plus strand), LOC126806422 (BRD4-independent group 4 enhancer GRCh37_chr2:179440205-179441404; plus strand). Cytogenetic location: 2q31.2.
Variant type: single nucleotide variant.
Coding change: c.70009G>C on transcript NM_001267550.2 (MANE Select); coding-DNA position 70009, G replaced by C.
Protein change: p.Glu23337Gln; replaces glutamic acid 23337 with glutamine.
Molecular consequence: missense variant.
Genome position (GRCh38, 1-based): chr2:178,576,123, C>G on the plus strand (G>C on the coding strand, the complement: TTN is on the minus strand). VCF-style: chr2-178576123-C-G. GRCh37 (hg19) VCF-style: chr2-179440850-C-G.
Other names: c.65086G>C, p.Glu21696Gln (NM_001256850.1); c.42814G>C, p.Glu14272Gln (NM_003319.4); c.62305G>C, p.Glu20769Gln (NM_133378.4); c.43189G>C, p.Glu14397Gln (NM_133432.3); c.43390G>C, p.Glu14464Gln (NM_133437.4); short protein forms E14464Q, E14397Q, E21696Q, E14272Q, E20769Q, E23337Q.
Identifiers: ClinVar variation 1739349 (VCV001739349.2), dbSNP rs1709996308, ClinGen allele CA349665412.